The following is an entry in ClinVar:

ClinVar aggregate classification (germline): Uncertain significance (1 of 4 stars; one submission).

Allele frequency attached by ClinVar (database versions not stated): TOPMed below 0.00001.

Submission:

Labcorp Genetics (formerly Invitae), Labcorp
Classification: Uncertain significance. Last evaluated: 2021-05-27. Review status: criteria provided, single submitter. Criteria: Invitae Variant Classification Sherloc (09022015). Collection method: clinical testing. Allele origin: germline.
Comment: In summary, the available evidence is currently insufficient to determine the role of this variant in disease. Therefore, it has been classified as a Variant of Uncertain Significance. Algorithms developed to predict the effect of missense changes on protein structure and function are either unavailable or do not agree on the potential impact of this missense change (SIFT: "Deleterious"; PolyPhen-2: "Possibly Damaging"; Align-GVGD: "Class C0"). This variant has not been reported in the literature in individuals with ADCY10-related conditions. This variant is not present in population databases (ExAC no frequency). This sequence change replaces glutamic acid with glycine at codon 1542 of the ADCY10 protein (p.Glu1542Gly). The glutamic acid residue is moderately conserved and there is a moderate physicochemical difference between glutamic acid and glycine.

NM_018417.6(ADCY10):c.4625A>G (p.Glu1542Gly)

Gene: ADCY10 (adenylate cyclase 10; minus strand). Cytogenetic location: 1q24.2.
Variant type: single nucleotide variant.
Coding change: c.4625A>G on transcript NM_018417.6 (MANE Select); coding-DNA position 4625, A replaced by G.
Protein change: p.Glu1542Gly; replaces glutamic acid 1542 with glycine.
Molecular consequence: missense variant.
Genome position (GRCh38, 1-based): chr1:167,810,771, T>C on the plus strand (A>G on the coding strand, the complement: ADCY10 is on the minus strand). VCF-style: chr1-167810771-T-C. GRCh37 (hg19) VCF-style: chr1-167780008-T-C.
Other names: c.4166A>G, p.Glu1389Gly (NM_001167749.3); c.4349A>G, p.Glu1450Gly (NM_001297772.2); short protein forms E1450G, E1389G, E1542G.
Identifiers: ClinVar variation 848956 (VCV000848956.8), dbSNP rs1662151205, ClinGen allele CA343093027.